The following is an entry in ClinVar:

NM_152730.6(TBC1D32):c.2065G>A (p.Ala689Thr)

Gene: TBC1D32 (TBC1 domain family member 32; minus strand). Cytogenetic location: 6q22.31.
Variant type: single nucleotide variant.
Coding change: c.2065G>A on transcript NM_152730.6 (MANE Select); coding-DNA position 2065, G replaced by A.
Protein change: p.Ala689Thr; replaces alanine 689 with threonine.
Molecular consequence: missense variant. On other transcripts: non-coding transcript variant (1).
Genome position (GRCh38, 1-based): chr6:121,242,293, C>T on the plus strand (G>A on the coding strand, the complement: TBC1D32 is on the minus strand). VCF-style: chr6-121242293-C-T. GRCh37 (hg19) VCF-style: chr6-121563439-C-T.
Other names: c.2065G>A, p.Ala689Thr (NM_001367759.1, NM_001367760.1); short protein forms A689T.
Identifiers: ClinVar variation 2032926 (VCV002032926.4), dbSNP rs1229307946, ClinGen allele CA365474818.

ClinVar aggregate classification (germline): Uncertain significance (1 of 4 stars; one submission).

Submission:

Labcorp Genetics (formerly Invitae), Labcorp
Classification: Uncertain significance. Last evaluated: 2024-02-24. Review status: criteria provided, single submitter. Criteria: Invitae Variant Classification Sherloc (09022015). Collection method: clinical testing. Allele origin: germline.
Comment: This sequence change replaces alanine, which is neutral and non-polar, with threonine, which is neutral and polar, at codon 689 of the TBC1D32 protein (p.Ala689Thr). This variant is not present in population databases (gnomAD no frequency). This variant has not been reported in the literature in individuals affected with TBC1D32-related conditions. ClinVar contains an entry for this variant (Variation ID: 2032926). An algorithm developed to predict the effect of missense changes on protein structure and function (PolyPhen-2) suggests that this variant is likely to be disruptive. In summary, the available evidence is currently insufficient to determine the role of this variant in disease. Therefore, it has been classified as a Variant of Uncertain Significance.